The following is an entry in ClinVar:

ClinVar aggregate classification (germline): Uncertain significance (1 of 4 stars; one submission).

Submission:

Labcorp Genetics (formerly Invitae), Labcorp
Classification: Uncertain significance. Last evaluated: 2025-10-24. Review status: criteria provided, single submitter. Criteria: Invitae Variant Classification Sherloc (09022015). Collection method: clinical testing. Allele origin: germline.
Comment: This sequence change falls in intron 26 of the POLE gene. It does not directly change the encoded amino acid sequence of the POLE protein. This variant is not present in population databases (gnomAD no frequency). This variant has not been reported in the literature in individuals affected with POLE-related conditions. In summary, the available evidence is currently insufficient to determine the role of this variant in disease. Therefore, it has been classified as a Variant of Uncertain Significance.

NM_006231.4(POLE):c.3265_3275+14dup

Gene: POLE (DNA polymerase epsilon, catalytic subunit; minus strand). Cytogenetic location: 12q24.33.
Variant type: Duplication.
Coding change: c.3265_3275+14dup on transcript NM_006231.4 (MANE Select); coding-DNA position 3265 through 14 bases into the intron after coding-DNA position 3275, 25 bases duplicated (GTCACGGAGAGGTGAGGGCTCCCCC).
Molecular consequence: splice donor variant.
Genome position (GRCh38, 1-based): chr12:132,659,281-132,659,305, GGGGGAGCCCTCACCTCTCCGTGAC duplicated on the plus strand (GTCACGGAGAGGTGAGGGCTCCCCC on the coding strand, the reverse complement: POLE is on the minus strand). VCF-style (leftmost placement, unchanged base first): chr12-132659280-G-GGGGGGAGCCCTCACCTCTCCGTGAC. GRCh37 (hg19) VCF-style: chr12-133235866-G-GGGGGGAGCCCTCACCTCTCCGTGAC.
Identifiers: ClinVar variation 4742956 (VCV004742956.1).
Genomic context (GRCh38, chr12:132,659,280, plus strand): 5'-TCCGTGACGGAGGGAGCCCTCACCTGTCCGTGATGGGAGGAGCCCTCACCTCTCCGTGAT[G>GGGGGGAGCCCTCACCTCTCCGTGAC]GGGGGAGCCCTCACCTCTCCGTGACAGGGGAGCCCTCGGGCTTGCGGGAGATGATGTAGC-3'